The following is an entry in ClinVar:

ClinVar aggregate classification (germline): Uncertain significance (1 of 4 stars; one submission).

Conditions:
Hereditary cancer-predisposing syndrome. Also called: Neoplastic Syndromes, Hereditary; Hereditary neoplastic syndrome; Tumor predisposition; Hereditary Cancer Syndrome. Identifiers: Orphanet 140162, MedGen C0027672, MeSH D009386, MONDO:0015356.

Submission:

Ambry Genetics
Classification: Uncertain significance for Hereditary cancer-predisposing syndrome. Last evaluated: 2026-02-04. Review status: criteria provided, single submitter. Criteria: Ambry Variant Classification Scheme 2023. Collection method: clinical testing. Allele origin: germline.
Comment: The p.P759H variant (also known as c.2276C>A), located in coding exon 11 of the BARD1 gene, results from a C to A substitution at nucleotide position 2276. The proline at codon 759 is replaced by histidine, an amino acid with similar properties. This amino acid position is well conserved in available vertebrate species. In addition, the in silico prediction for this alteration is inconclusive. Based on the available evidence, the clinical significance of this variant remains unclear.

NM_000465.4(BARD1):c.2276C>A (p.Pro759His)

Gene: BARD1 (BRCA1 associated RING domain 1; minus strand). Cytogenetic location: 2q35.
Variant type: single nucleotide variant.
Coding change: c.2276C>A on transcript NM_000465.4 (MANE Select); coding-DNA position 2276, C replaced by A.
Protein change: p.Pro759His; replaces proline 759 with histidine.
Molecular consequence: missense variant. On other transcripts: non-coding transcript variant (3).
Genome position (GRCh38, 1-based): chr2:214,728,734, G>T on the plus strand (C>A on the coding strand, the complement: BARD1 is on the minus strand). VCF-style: chr2-214728734-G-T. GRCh37 (hg19) VCF-style: chr2-215593458-G-T.
Other names: c.2219C>A, p.Pro740His (NM_001282543.2); c.923C>A, p.Pro308His (NM_001282545.2); c.866C>A, p.Pro289His (NM_001282548.2); c.737C>A, p.Pro246His (NM_001282549.2); short protein forms P308H, P740H, P759H, P289H, P246H.
Identifiers: ClinVar variation 4824128 (VCV004824128.1).